The following is an entry in ClinVar:

ClinVar aggregate classification (germline): Uncertain significance (1 of 4 stars; one submission).

Submission:

Ambry Genetics
Classification: Uncertain significance. Last evaluated: 2023-07-07. Review status: criteria provided, single submitter. Criteria: Ambry Variant Classification Scheme 2023. Collection method: clinical testing. Allele origin: germline.
Comment: The p.M496T variant (also known as c.1487T>C), located in coding exon 3 of the ALPK2 gene, results from a T to C substitution at nucleotide position 1487. The methionine at codon 496 is replaced by threonine, an amino acid with similar properties. This amino acid position is conserved. In addition, this alteration is predicted to be tolerated by in silico analysis. Since supporting evidence is limited at this time, the clinical significance of this alteration remains unclear.

NM_052947.4(ALPK2):c.1487T>C (p.Met496Thr)

Gene: ALPK2 (alpha kinase 2; minus strand). Cytogenetic location: 18q21.31.
Variant type: single nucleotide variant.
Coding change: c.1487T>C on transcript NM_052947.4 (MANE Select); coding-DNA position 1487, T replaced by C.
Protein change: p.Met496Thr; replaces methionine 496 with threonine.
Molecular consequence: missense variant.
Genome position (GRCh38, 1-based): chr18:58,579,289, A>G on the plus strand (T>C on the coding strand, the complement: ALPK2 is on the minus strand). VCF-style: chr18-58579289-A-G. GRCh37 (hg19) VCF-style: chr18-56246521-A-G.
Other names: short protein forms M496T.
Identifiers: ClinVar variation 2625993 (VCV002625993.2), dbSNP rs2518898914, ClinGen allele CA402562688.